The following is an entry in ClinVar:

ClinVar aggregate classification (germline): Uncertain significance (1 of 4 stars; one submission).

Submission:

GeneDx
Classification: Uncertain significance. Last evaluated: 2019-07-03. Review status: criteria provided, single submitter. Criteria: GeneDx Variant Classification Process June 2021. Collection method: clinical testing. Allele origin: germline. Affected: yes.
Comment: Not observed in large population cohorts (Lek et al., 2016); In silico analysis, which includes protein predictors and evolutionary conservation, supports a deleterious effect; Has not been previously published as pathogenic or benign to our knowledge

NM_018489.3(ASH1L):c.6569A>G (p.His2190Arg)

Gene: ASH1L (ASH1 like histone lysine methyltransferase; minus strand). Cytogenetic location: 1q22.
Variant type: single nucleotide variant.
Coding change: c.6569A>G on transcript NM_018489.3 (MANE Select); coding-DNA position 6569, A replaced by G.
Protein change: p.His2190Arg; replaces histidine 2190 with arginine.
Molecular consequence: missense variant.
Genome position (GRCh38, 1-based): chr1:155,370,621, T>C on the plus strand (A>G on the coding strand, the complement: ASH1L is on the minus strand). VCF-style: chr1-155370621-T-C. GRCh37 (hg19) VCF-style: chr1-155340412-T-C.
Other names: c.6584A>G, p.His2195Arg (NM_001366177.2); short protein forms H2190R, H2195R.
Identifiers: ClinVar variation 1203656 (VCV001203656.3), dbSNP rs2148414899, ClinGen allele CA342754111.